The following is an entry in ClinVar:

ClinVar aggregate classification (germline): Uncertain significance. Review status: criteria provided, multiple submitters, no conflicts (2 of 4 stars). 2 submissions from 2 submitters: Uncertain significance (2). Last evaluated 2025-11-17.

Conditions:
Ataxia-telangiectasia syndrome (AT). Also called: ATAXIA-TELANGIECTASIA, FRESNO VARIANT; Ataxia-telangiectasia, complementation group D; Cerebello-oculocutaneous telangiectasia; Immunodeficiency with ataxia telangiectasia; Ataxia-telangiectasia; Ataxia telangiectasia (A-T). Identifiers: Orphanet 100, MedGen C0004135, MONDO:0008840, OMIM 208900.
Hereditary cancer-predisposing syndrome. Also called: Neoplastic Syndromes, Hereditary; Hereditary neoplastic syndrome; Hereditary Cancer Syndrome; Tumor predisposition. Identifiers: Orphanet 140162, MedGen C0027672, MeSH D009386, MONDO:0015356.

Allele frequency attached by ClinVar (database versions not stated): gnomAD exomes below 0.00001.
gnomAD v4.1: 2 of 1,614,014 alleles (0.00012%); highest among the groups gnomAD compares: Non-Finnish European, 0.00017%; no homozygotes.

Submissions (2):

Labcorp Genetics (formerly Invitae), Labcorp
Classification: Uncertain significance for Ataxia-telangiectasia syndrome. Last evaluated: 2025-11-17. Review status: criteria provided, single submitter. Criteria: Invitae Variant Classification Sherloc (09022015). Collection method: clinical testing. Allele origin: germline.
Comment: This sequence change replaces alanine, which is neutral and non-polar, with valine, which is neutral and non-polar, at codon 1090 of the ATM protein (p.Ala1090Val). This variant is not present in population databases (gnomAD no frequency). This variant has not been reported in the literature in individuals affected with ATM-related conditions. ClinVar contains an entry for this variant (Variation ID: 654035). Invitae Evidence Modeling of protein sequence and biophysical properties (such as structural, functional, and spatial information, amino acid conservation, physicochemical variation, residue mobility, and thermodynamic stability) indicates that this missense variant is not expected to disrupt ATM protein function with a negative predictive value of 95%. In summary, the available evidence is currently insufficient to determine the role of this variant in disease. Therefore, it has been classified as a Variant of Uncertain Significance.

Ambry Genetics
Classification: Uncertain significance for Hereditary cancer-predisposing syndrome. Last evaluated: 2023-11-12. Review status: criteria provided, single submitter. Criteria: Ambry Variant Classification Scheme 2023. Collection method: clinical testing. Allele origin: germline.
Comment: The p.A1090V variant (also known as c.3269C>T), located in coding exon 21 of the ATM gene, results from a C to T substitution at nucleotide position 3269. The alanine at codon 1090 is replaced by valine, an amino acid with similar properties. This amino acid position is highly conserved in available vertebrate species. In addition, the in silico prediction for this alteration is inconclusive. Since supporting evidence is limited at this time, the clinical significance of this alteration remains unclear.

NM_000051.4(ATM):c.3269C>T (p.Ala1090Val)

Gene: ATM (ATM serine/threonine kinase; plus strand). Cytogenetic location: 11q22.3.
Variant type: single nucleotide variant.
Coding change: c.3269C>T on transcript NM_000051.4 (MANE Select); coding-DNA position 3269, C replaced by T.
Protein change: p.Ala1090Val; replaces alanine 1090 with valine.
Molecular consequence: missense variant.
Genome position (GRCh38, 1-based): chr11:108,272,837, C>T. VCF-style: chr11-108272837-C-T. GRCh37 (hg19) VCF-style: chr11-108143564-C-T.
Other names: c.3269C>T, p.Ala1090Val (NM_001351834.2); short protein forms A1090V.
Identifiers: ClinVar variation 654035 (VCV000654035.13), dbSNP rs1591610246, ClinGen allele CA382516180.